The following is an entry in ClinVar:

NM_004444.5(EPHB4):c.2641C>G (p.Pro881Ala)

Genes: EPHB4 (EPH receptor B4; minus strand), LOC126860124 (CDK7 strongly-dependent group 2 enhancer GRCh37_chr7:100403701-100404900; plus strand). Cytogenetic location: 7q22.1.
Variant type: single nucleotide variant.
Coding change: c.2641C>G on transcript NM_004444.5 (MANE Select); coding-DNA position 2641, C replaced by G.
Protein change: p.Pro881Ala; replaces proline 881 with alanine.
Molecular consequence: missense variant.
Genome position (GRCh38, 1-based): chr7:100,805,538, G>C on the plus strand (C>G on the coding strand, the complement: EPHB4 is on the minus strand). VCF-style: chr7-100805538-G-C. GRCh37 (hg19) VCF-style: chr7-100403160-G-C.
Other names: short protein forms P881A.
Identifiers: ClinVar variation 4614128 (VCV004614128.1).
Genomic context (GRCh38, chr7:100,805,538, plus strand): 5'-GGCCCATTCTCTGCAGTCCTCACCCGCCATTCTCCCGGGCCACGATTTTGAGGCTGGCGG[G>C]GTTCCGGATCATCTTGTCCAGGGCGCTGACCACCTGGGGGAAGCGGGGCCGGGCATTCCG-3'
Protein context (NP_004435.3, residues 871-891): VSALDKMIRN[Pro881Ala]ASLKIVAREN

ClinVar aggregate classification (germline): Uncertain significance (1 of 4 stars; one submission).

Conditions:
Cardiovascular phenotype. Identifiers: MedGen CN230736.

gnomAD v4.1: 1 of 1,526,248 alleles (0.000066%); highest among the groups gnomAD compares: Non-Finnish European, 0.000088%; no homozygotes.

Submission:

Ambry Genetics
Classification: Uncertain significance for Cardiovascular phenotype. Last evaluated: 2025-10-01. Review status: criteria provided, single submitter. Criteria: Ambry Variant Classification Scheme 2023. Collection method: clinical testing. Allele origin: germline.
Comment: The p.P881A variant (also known as c.2641C>G), located in coding exon 15 of the EPHB4 gene, results from a C to G substitution at nucleotide position 2641. The proline at codon 881 is replaced by alanine, an amino acid with highly similar properties. This amino acid position is conserved. In addition, this alteration is predicted to be tolerated by in silico analysis. Based on the available evidence, the clinical significance of this variant remains unclear.